The following is an entry in ClinVar:

ClinVar aggregate classification (germline): Uncertain significance. Review status: criteria provided, multiple submitters, no conflicts (2 of 4 stars). 2 submissions from 2 submitters: Uncertain significance (2). Last evaluated 2025-08-09.

Conditions:
Inborn genetic diseases. Identifiers: MedGen C0950123, MeSH D030342.
Trichorhinophalangeal dysplasia type I (TRPS1). Also called: TRICHORHINOPHALANGEAL SYNDROME, TYPE I; TRPS I. Identifiers: Orphanet 77258, MedGen C0432233, MONDO:0008596, OMIM 190350.
Trichorhinophalangeal syndrome, type III (TRPS3). Also called: SUGIO-KAJII SYNDROME. Identifiers: Orphanet 77258, MedGen C1860823, OMIM 190351, MONDO:0008597.

Allele frequency attached by ClinVar (database versions not stated): gnomAD exomes below 0.00001; ExAC 0.00001; TOPMed 0.00001; gnomAD 0.00002.
gnomAD v4.1: 8 of 1,614,012 alleles (0.0005%); highest among the groups gnomAD compares: African/African-American, 0.0027%; no homozygotes.

Submissions (2):

Ambry Genetics
Classification: Uncertain significance for Inborn genetic diseases. Last evaluated: 2025-08-09. Review status: criteria provided, single submitter. Criteria: Ambry Variant Classification Scheme 2023. Collection method: clinical testing. Allele origin: germline.

Labcorp Genetics (formerly Invitae), Labcorp
Classification: Uncertain significance for Trichorhinophalangeal syndrome, type III; Trichorhinophalangeal dysplasia type I. Last evaluated: 2023-01-13. Review status: criteria provided, single submitter. Criteria: Invitae Variant Classification Sherloc (09022015). Collection method: clinical testing. Allele origin: germline.
Comment: In summary, the available evidence is currently insufficient to determine the role of this variant in disease. Therefore, it has been classified as a Variant of Uncertain Significance. Advanced modeling of protein sequence and biophysical properties (such as structural, functional, and spatial information, amino acid conservation, physicochemical variation, residue mobility, and thermodynamic stability) performed at Invitae indicates that this missense variant is not expected to disrupt TRPS1 protein function. This variant has not been reported in the literature in individuals affected with TRPS1-related conditions. This variant is present in population databases (rs766865707, gnomAD 0.0009%). This sequence change replaces asparagine, which is neutral and polar, with serine, which is neutral and polar, at codon 738 of the TRPS1 protein (p.Asn738Ser).

NM_014112.5(TRPS1):c.2213A>G (p.Asn738Ser)

Gene: TRPS1 (transcriptional repressor GATA binding 1; minus strand). Cytogenetic location: 8q23.3.
Variant type: single nucleotide variant.
Coding change: c.2213A>G on transcript NM_014112.5 (MANE Select); coding-DNA position 2213, A replaced by G.
Protein change: p.Asn738Ser; replaces asparagine 738 with serine.
Molecular consequence: missense variant.
Genome position (GRCh38, 1-based): chr8:115,587,488, T>C on the plus strand (A>G on the coding strand, the complement: TRPS1 is on the minus strand). VCF-style: chr8-115587488-T-C. GRCh37 (hg19) VCF-style: chr8-116599715-T-C.
Other names: c.2213A>G (NM_014112.2); c.2186A>G, p.Asn729Ser (NM_001282902.3); c.2192A>G, p.Asn731Ser (NM_001282903.3); c.2174A>G, p.Asn725Ser (NM_001330599.2); short protein forms N738S, N725S, N729S, N731S.
Identifiers: ClinVar variation 2930387 (VCV002930387.2), dbSNP rs766865707, ClinGen allele CA4851689.
Genomic context (GRCh38, chr8:115,587,488, plus strand): 5'-CTGAAGTCAATTTTGGGCTCCTCTTTGATGGTGGATATGGCATGACCGTCCTCTTCGCCG[T>C]TGGCTGTAGTGATGTCCTGTTCCTGGCAGTGAACAGTGTTGAAGTGCTCCAGTAGTGACT-3'
Protein context (NP_054831.2, residues 728-748): HCQEQDITTA[Asn738Ser]GEEDGHAIST